The following is an entry in ClinVar:

ClinVar aggregate classification (germline): Uncertain significance (1 of 4 stars; one submission).

gnomAD v4.1: 2 of 1,607,762 alleles (0.00012%); highest among the groups gnomAD compares: Non-Finnish European, 0.00017%; no homozygotes.

Submission:

GeneDx
Classification: Uncertain significance. Last evaluated: 2024-07-02. Review status: criteria provided, single submitter. Criteria: GeneDx Variant Classification Process June 2021. Collection method: clinical testing. Allele origin: germline. Affected: yes.
Comment: In silico analysis supports that this missense variant has a deleterious effect on protein structure/function; Has not been previously published as pathogenic or benign to our knowledge

NM_007215.4(POLG2):c.1151C>T (p.Ala384Val)

Genes: MILR1 (mast cell immunoglobulin like receptor 1; plus strand), POLG2 (DNA polymerase gamma 2, accessory subunit; minus strand). Cytogenetic location: 17q23.3.
Variant type: single nucleotide variant.
Coding change: c.1151C>T on transcript NM_007215.4 (MANE Select); coding-DNA position 1151, C replaced by T.
Protein change: p.Ala384Val; replaces alanine 384 with valine.
Molecular consequence: missense variant.
Genome position (GRCh38, 1-based): chr17:64,482,959, G>A on the plus strand (C>T on the coding strand, the complement: POLG2 is on the minus strand). VCF-style: chr17-64482959-G-A. GRCh37 (hg19) VCF-style: chr17-62479076-G-A.
Other names: short protein forms A384V.
Identifiers: ClinVar variation 3393787 (VCV003393787.1).